The following is an entry in ClinVar:

ClinVar aggregate classification (germline): Uncertain significance (1 of 4 stars; one submission).

Conditions:
FAM149B1-related disorder. Also called: FAM149B1-related condition.

gnomAD v4.1: 9 of 1,551,594 alleles (0.00058%); highest among the groups gnomAD compares: Non-Finnish European, 0.0007%; no homozygotes.

Submission:

PreventionGenetics, part of Exact Sciences
Classification: Uncertain significance for FAM149B1-related condition. Last evaluated: 2025-04-25. Review status: criteria provided, single submitter. Criteria: ACMG Guidelines, 2015. Collection method: clinical testing. Allele origin: germline.
Comment: The FAM149B1 c.222A>C variant is not predicted to result in an amino acid change (p.=). To our knowledge, this variant has not been reported in the literature or in a large population database (gnomAD), indicating this variant is rare. At this time, the clinical significance of this variant is uncertain due to the absence of conclusive functional and genetic evidence.

NM_173348.2(FAM149B1):c.222A>C (p.Pro74=)

Gene: FAM149B1 (family with sequence similarity 149 member B1; plus strand). Cytogenetic location: 10q22.2.
Variant type: single nucleotide variant.
Coding change: c.222A>C on transcript NM_173348.2 (MANE Select); coding-DNA position 222, A replaced by C.
Protein change: p.Pro74=; no amino-acid change (proline 74 retained).
Molecular consequence: synonymous variant.
Genome position (GRCh38, 1-based): chr10:73,177,915, A>C. VCF-style: chr10-73177915-A-C. GRCh37 (hg19) VCF-style: chr10-74937673-A-C.
Identifiers: ClinVar variation 4982483 (VCV004982483.1).